The following is an entry in ClinVar:

ClinVar aggregate classification (germline): Uncertain significance (1 of 4 stars; one submission).

Allele frequency attached by ClinVar (database versions not stated): gnomAD exomes below 0.00001.
gnomAD v4.1: 2 of 1,612,796 alleles (0.00012%); highest among the groups gnomAD compares: Non-Finnish European, 0.000085%; no homozygotes.

Submission:

GeneDx
Classification: Uncertain significance. Last evaluated: 2023-08-29. Review status: criteria provided, single submitter. Criteria: GeneDx Variant Classification Process June 2021. Collection method: clinical testing. Allele origin: germline. Affected: yes.
Comment: In silico analysis supports that this missense variant does not alter protein structure/function; Has not been previously published as pathogenic or benign to our knowledge

NM_001318852.2(MAPK8IP3):c.1891C>T (p.Pro631Ser)

Gene: MAPK8IP3 (mitogen-activated protein kinase 8 interacting protein 3; plus strand). Cytogenetic location: 16p13.3.
Variant type: single nucleotide variant.
Coding change: c.1891C>T on transcript NM_001318852.2 (MANE Select); coding-DNA position 1891, C replaced by T.
Protein change: p.Pro631Ser; replaces proline 631 with serine.
Molecular consequence: missense variant.
Genome position (GRCh38, 1-based): chr16:1,762,999, C>T. VCF-style: chr16-1762999-C-T. GRCh37 (hg19) VCF-style: chr16-1813000-C-T.
Other names: c.1870C>T, p.Pro624Ser (NM_001040439.2); c.1888C>T, p.Pro630Ser (NM_015133.5, NM_033392.3); short protein forms P624S, P630S, P631S.
Identifiers: ClinVar variation 2578229 (VCV002578229.1), dbSNP rs1298887598, ClinGen allele CA394232998.